The following is an entry in ClinVar:

ClinVar aggregate classification (germline): Pathogenic. Review status: criteria provided, multiple submitters, no conflicts (2 of 4 stars). 2 submissions from 2 submitters: Pathogenic (2). Last evaluated 2025-05-08.
ClinVar aggregate classification (somatic clinical impact): Tier I - Strong (1 of 4 stars; one submission).

Conditions:
Hereditary cancer-predisposing syndrome. Also called: Tumor predisposition; Hereditary Cancer Syndrome; Neoplastic Syndromes, Hereditary; Hereditary neoplastic syndrome. Identifiers: Orphanet 140162, MedGen C0027672, MeSH D009386, MONDO:0015356.
Retinoblastoma (RB1). Also called: RETINOBLASTOMA, SOMATIC. Identifiers: Orphanet 790, MedGen C0035335, MeSH D012175, MONDO:0008380, OMIM 180200, HP:0009919. Disease mechanism: loss of function. Inheritance: Both sporadic and heritable forms are tested..
Malignant glioma. Identifiers: MedGen C0555198, MONDO:0100342, MONDO:0015917.

Submissions (3):

Ambry Genetics
Classification: Pathogenic for Hereditary cancer-predisposing syndrome. Last evaluated: 2025-05-08. Review status: criteria provided, single submitter. Criteria: Ambry Variant Classification Scheme 2023. Collection method: clinical testing. Allele origin: germline.
Comment: The c.217_220delAGAG pathogenic mutation, located in coding exon 2 of the RB1 gene, results from a deletion of 4 nucleotides at nucleotide positions 217 to 220, causing a translational frameshift with a predicted alternate stop codon (p.R73Lfs*3). This variant was reported in individual(s) with features consistent with RB1-related hereditary retinoblastoma (Alonso J et al. Hum Mutat, 2001 May;17:412-22; Ambry internal data). Note, this variant is also referred to as g.5503_5506del4 in the literature. This variant is considered to be rare based on population cohorts in the Genome Aggregation Database (gnomAD). In addition to the clinical data presented in the literature, this alteration is expected to result in loss of function by premature protein truncation or nonsense-mediated mRNA decay. As such, this alteration is interpreted as a disease-causing mutation.

Labcorp Genetics (formerly Invitae), Labcorp
Classification: Pathogenic for Retinoblastoma. Last evaluated: 2023-11-06. Review status: criteria provided, single submitter. Criteria: Invitae Variant Classification Sherloc (09022015). Collection method: clinical testing. Allele origin: germline.
Comment: This sequence change creates a premature translational stop signal (p.Arg73Leufs*3) in the RB1 gene. It is expected to result in an absent or disrupted protein product. Loss-of-function variants in RB1 are known to be pathogenic (PMID: 17096365). This variant is not present in population databases (gnomAD no frequency). This premature translational stop signal has been observed in individual(s) with retinoblastoma (PMID: 11317357). This variant is also known as g.5503_5506del4 (E73fsX75). For these reasons, this variant has been classified as Pathogenic.

Institute for Genomic Medicine (IGM) Clinical Laboratory, Nationwide Children's Hospital
Classification: Tier I - Strong for Malignant glioma. Assertion type: diagnostic. Clinical significance: supports diagnosis. Last evaluated: 2022-11-03. Review status: criteria provided, single submitter. Criteria: AMP/ASCO/CAP Guidelines, 2017. Collection method: clinical testing. Allele origin: somatic. Affected: yes.
Comment: Variant has Tier I (strong) clinical significance as a diagnostic inclusion criterion in malignant glioma, based on the following evidence: 1) Documented in one or more cancer databases (e.g., St. Jude Pecan, COSMIC, CIViC, OncoKB). 2) Appears in one or more well-established professional guidelines (e.g., World Health Organization [WHO]; National Comprehensive Cancer Network [NCCN]) as providing diagnostic, prognostic, or therapeutic information. 3) Information in the literature supports potential biologic effect of variant. 4) Diagnostic for a specific tumor type/classification based on well-powered studies with expert-level consensus (Evidence Level B; PMIDs: 33876327, 34131647, 34952640, 29763623, 28966033, 25219808).

Literature cited by the submitters: PubMed 11317357 (cited by Ambry Genetics and Labcorp Genetics (formerly Invitae), Labcorp); PubMed 17096365 (cited by Labcorp Genetics (formerly Invitae), Labcorp); PubMed 33876327 (cited by Institute for Genomic Medicine (IGM) Clinical Laboratory, Nationwide Children's Hospital); PubMed 34131647 (cited by Institute for Genomic Medicine (IGM) Clinical Laboratory, Nationwide Children's Hospital); PubMed 34952640 (cited by Institute for Genomic Medicine (IGM) Clinical Laboratory, Nationwide Children's Hospital); PubMed 29763623 (cited by Institute for Genomic Medicine (IGM) Clinical Laboratory, Nationwide Children's Hospital); PubMed 28966033 (cited by Institute for Genomic Medicine (IGM) Clinical Laboratory, Nationwide Children's Hospital); PubMed 25219808 (cited by Institute for Genomic Medicine (IGM) Clinical Laboratory, Nationwide Children's Hospital).

NM_000321.3(RB1):c.217_220del (p.Arg73fs)

Gene: RB1 (RB transcriptional corepressor 1; plus strand). Cytogenetic location: 13q14.2.
Variant type: Microsatellite.
Coding change: c.217_220del on transcript NM_000321.3 (MANE Select); coding-DNA positions 217 to 220, 4 bases deleted (AGAG; older notation c.217_220delAGAG).
Protein change: p.Arg73fs; shifts the reading frame from arginine 73.
Molecular consequence: frameshift variant.
Genome position (GRCh38, 1-based): chr13:48,307,359-48,307,362, AGAG deleted; deleting any 4 consecutive bases within chr13:48,307,353-48,307,362 gives the same sequence; the c. name uses the placement nearest the transcript's 3' end. VCF-style (leftmost placement, unchanged base first): chr13-48307352-CAGAG-C. GRCh37 (hg19) VCF-style: chr13-48881488-CAGAG-C.
Other names: c.217_220delAGAG (NM_000321.2); c.211_212AG[3], p.Arg73Leufs (NM_000321.2); c.217_220del, p.Arg73fs (NM_001407165.1, NM_001407166.1, NM_001407167.1); short protein forms R73fs.
Identifiers: ClinVar variation 2736015 (VCV002736015.5), dbSNP rs587778862, ClinGen allele CA2695218253.